The following is an entry in ClinVar:

ClinVar aggregate classification (germline): Uncertain significance (1 of 4 stars; one submission).

Conditions:
Chédiak-Higashi syndrome (CHS). Also called: Chediak-Higashi Syndrome. Identifiers: Orphanet 167, MedGen C0007965, MONDO:0008963, OMIM 214500.

Allele frequency attached by ClinVar (database versions not stated): gnomAD exomes below 0.00001; gnomAD 0.00001; TOPMed 0.00002.
gnomAD v4.1: 3 of 1,613,550 alleles (0.00019%); highest among the groups gnomAD compares: African/African-American, 0.0013%; no homozygotes.

Submission:

Labcorp Genetics (formerly Invitae), Labcorp
Classification: Uncertain significance for Chédiak-Higashi syndrome. Last evaluated: 2022-08-31. Review status: criteria provided, single submitter. Criteria: Invitae Variant Classification Sherloc (09022015). Collection method: clinical testing. Allele origin: germline.
Comment: This sequence change replaces serine, which is neutral and polar, with leucine, which is neutral and non-polar, at codon 2605 of the LYST protein (p.Ser2605Leu). This variant is not present in population databases (gnomAD no frequency). This variant has not been reported in the literature in individuals affected with LYST-related conditions. ClinVar contains an entry for this variant (Variation ID: 1505143). Algorithms developed to predict the effect of missense changes on protein structure and function (SIFT, PolyPhen-2, Align-GVGD) all suggest that this variant is likely to be tolerated. In summary, the available evidence is currently insufficient to determine the role of this variant in disease. Therefore, it has been classified as a Variant of Uncertain Significance.

NM_000081.4(LYST):c.7814C>T (p.Ser2605Leu)

Gene: LYST (lysosomal trafficking regulator; minus strand). Cytogenetic location: 1q42.3.
Variant type: single nucleotide variant.
Coding change: c.7814C>T on transcript NM_000081.4 (MANE Select); coding-DNA position 7814, C replaced by T.
Protein change: p.Ser2605Leu; replaces serine 2605 with leucine.
Molecular consequence: missense variant.
Genome position (GRCh38, 1-based): chr1:235,746,494, G>A on the plus strand (C>T on the coding strand, the complement: LYST is on the minus strand). VCF-style: chr1-235746494-G-A. GRCh37 (hg19) VCF-style: chr1-235909794-G-A.
Other names: c.7814C>T, p.Ser2605Leu (NM_001301365.1); short protein forms S2605L.
Identifiers: ClinVar variation 1505143 (VCV001505143.5), dbSNP rs868432883, ClinGen allele CA39607932.
Genomic context (GRCh38, chr1:235,746,494, plus strand): 5'-CTCCGTTGCATCATCACATGAAGCTCATCATTTGCCACTGAACGCATTTTCATCAGAAGC[G>A]ATTCAGTTTGAGCAAGGGGAAATTTTCGAGGACCTTTAAAAGTATATAAATTAAAACATC-3'
Protein context (NP_000072.2, residues 2595-2615): PRKFPLAQTE[Ser2605Leu]LLMKMRSVAN